The following is an entry in ClinVar:

NM_000141.5(FGFR2):c.2058-10T>C

Gene: FGFR2 (fibroblast growth factor receptor 2; minus strand). Cytogenetic location: 10q26.13.
Variant type: single nucleotide variant.
Coding change: c.2058-10T>C on transcript NM_000141.5 (MANE Select); 10 bases into the intron before coding-DNA position 2058, T replaced by C.
Molecular consequence: intron variant.
Genome position (GRCh38, 1-based): chr10:121,485,542, A>G on the plus strand (T>C on the coding strand, the complement: FGFR2 is on the minus strand). VCF-style: chr10-121485542-A-G. GRCh37 (hg19) VCF-style: chr10-123245056-A-G.
Other names: c.1722-10T>C (NM_001144914.1); c.1707-10T>C (NM_001144918.2, NM_001441091.1); c.1713-10T>C (NM_001441090.1, NM_001144916.2); c.1785-10T>C (NM_001441089.1); c.1791-10T>C (NM_023029.3, NM_001144915.2); c.1788-10T>C (NM_001441088.1); c.1710-10T>C (NM_001144917.2); c.2052-10T>C (NM_001320658.2); and 4 more.
Identifiers: ClinVar variation 668208 (VCV000668208.4), dbSNP rs756377540, ClinGen allele CA5720557.

ClinVar aggregate classification (germline): Benign/Likely benign. Review status: criteria provided, multiple submitters, no conflicts (2 of 4 stars). 2 submissions from 2 submitters: Benign (1); Likely benign (1). Last evaluated 2025-04-24.

Conditions:
FGFR2-related craniosynostosis. Identifiers: MedGen CN231480.

Allele frequency attached by ClinVar (database versions not stated): gnomAD exomes 0.00006 and 0.00007; TOPMed below 0.00001; gnomAD 0.00001 and 0.00003; ExAC 0.00007.
gnomAD v4.1: 92 of 1,613,944 alleles (0.0057%); highest among the groups gnomAD compares: East Asian, 0.2%; 1 homozygote.

Submissions (2):

Labcorp Genetics (formerly Invitae), Labcorp
Classification: Benign for FGFR2-related craniosynostosis. Last evaluated: 2025-04-24. Review status: criteria provided, single submitter. Criteria: Invitae Variant Classification Sherloc (09022015). Collection method: clinical testing. Allele origin: germline.

GeneDx
Classification: Likely benign. Last evaluated: 2018-04-30. Review status: criteria provided, single submitter. Criteria: GeneDx Variant Classification (06012015). Collection method: clinical testing. Allele origin: germline. Affected: yes.
Comment: This variant is considered likely benign or benign based on one or more of the following criteria: it is a conservative change, it occurs at a poorly conserved position in the protein, it is predicted to be benign by multiple in silico algorithms, and/or has population frequency not consistent with disease.